The following is an entry in ClinVar:

ClinVar aggregate classification (germline): Likely pathogenic (1 of 4 stars; one submission).

Conditions:
Intellectual disability, X-linked 102 (MRXSSB). Also called: Intellectual developmental disorder, X-linked syndromic, Snijders Blok type. Identifiers: Orphanet 457260, MedGen C5393299, MONDO:0010497, OMIM 300958.

Submission:

Institute of Human Genetics, University of Leipzig Medical Center
Classification: Likely pathogenic for Intellectual disability, X-linked 102. Last evaluated: 2021-04-06. Review status: criteria provided, single submitter. Criteria: ACMG Guidelines, 2015. Collection method: clinical testing. Allele origin: unknown. Affected: yes.
Comment: This variant was identified as de novo (maternity and paternity confirmed).

NM_001356.5(DDX3X):c.1175T>C (p.Leu392Pro)

Gene: DDX3X (DEAD-box helicase 3 X-linked; plus strand). Cytogenetic location: Xp11.4.
Variant type: single nucleotide variant.
Coding change: c.1175T>C on transcript NM_001356.5 (MANE Select); coding-DNA position 1175, T replaced by C.
Protein change: p.Leu392Pro; replaces leucine 392 with proline.
Molecular consequence: missense variant. On other transcripts: non-coding transcript variant (1).
Genome position (GRCh38, 1-based): chrX:41,345,408, T>C. VCF-style: chrX-41345408-T-C. GRCh37 (hg19) VCF-style: chrX-41204661-T-C.
Other names: c.1175T>C, p.Leu392Pro (NM_001193416.3); c.1127T>C, p.Leu376Pro (NM_001193417.3); c.617T>C, p.Leu206Pro (NM_001363819.1); short protein forms L392P, L376P, L206P.
Identifiers: ClinVar variation 1285566 (VCV001285566.1), dbSNP rs796052232, ClinGen allele CA319636.